The following is an entry in ClinVar:

NM_001363711.2(DUOX2):c.3462C>T (p.Val1154=)

Gene: DUOX2 (dual oxidase 2; minus strand). Cytogenetic location: 15q21.1.
Variant type: single nucleotide variant.
Coding change: c.3462C>T on transcript NM_001363711.2 (MANE Select); coding-DNA position 3462, C replaced by T.
Protein change: p.Val1154=; no amino-acid change (valine 1154 retained).
Molecular consequence: synonymous variant.
Genome position (GRCh38, 1-based): chr15:45,099,436, G>A on the plus strand (C>T on the coding strand, the complement: DUOX2 is on the minus strand). VCF-style: chr15-45099436-G-A. GRCh37 (hg19) VCF-style: chr15-45391634-G-A.
Other names: c.3462C>T, p.Val1154= (NM_014080.5).
Identifiers: ClinVar variation 2727473 (VCV002727473.3), dbSNP rs2504748863, ClinGen allele CA490331274.

ClinVar aggregate classification (germline): Uncertain significance (1 of 4 stars; one submission).

Submission:

Labcorp Genetics (formerly Invitae), Labcorp
Classification: Uncertain significance. Last evaluated: 2023-11-18. Review status: criteria provided, single submitter. Criteria: Invitae Variant Classification Sherloc (09022015). Collection method: clinical testing. Allele origin: germline.
Comment: This sequence change affects codon 1154 of the DUOX2 mRNA. It is a 'silent' change, meaning that it does not change the encoded amino acid sequence of the DUOX2 protein. This variant is not present in population databases (gnomAD no frequency). This variant has not been reported in the literature in individuals affected with DUOX2-related conditions. Algorithms developed to predict the effect of sequence changes on RNA splicing suggest that this variant may disrupt the consensus splice site. In summary, the available evidence is currently insufficient to determine the role of this variant in disease. Therefore, it has been classified as a Variant of Uncertain Significance.